The following is an entry in ClinVar:

NM_001379291.1(BRD4):c.791C>T (p.Ala264Val)

Gene: BRD4 (bromodomain containing 4; minus strand). Cytogenetic location: 19p13.12.
Variant type: single nucleotide variant.
Coding change: c.791C>T on transcript NM_001379291.1 (MANE Select); coding-DNA position 791, C replaced by T.
Protein change: p.Ala264Val; replaces alanine 264 with valine.
Molecular consequence: missense variant.
Genome position (GRCh38, 1-based): chr19:15,265,412, G>A on the plus strand (C>T on the coding strand, the complement: BRD4 is on the minus strand). VCF-style: chr19-15265412-G-A. GRCh37 (hg19) VCF-style: chr19-15376223-G-A.
Other names: c.791C>T, p.Ala264Val (NM_001330384.2, NM_001379292.1, NM_014299.3 and 1 more transcripts); short protein forms A264V.
Identifiers: ClinVar variation 2083102 (VCV002083102.25), dbSNP rs201700069, ClinGen allele CA9265533.

ClinVar aggregate classification (germline): Likely benign. Review status: criteria provided, multiple submitters, no conflicts (2 of 4 stars). 2 submissions from 2 submitters: Likely benign (2). Last evaluated 2025-03-07.

Allele frequency attached by ClinVar (database versions not stated): gnomAD exomes 0.00007; gnomAD 0.00009; ExAC 0.00012; ESP Exome Variant Server 0.00015; 1000 Genomes Project 30x 0.00016.
gnomAD v4.1: 123 of 1,547,926 alleles (0.0079%); highest among the groups gnomAD compares: Admixed American, 0.0038%; no homozygotes.

Submissions (2):

Labcorp Genetics (formerly Invitae), Labcorp
Classification: Likely benign. Last evaluated: 2025-03-07. Review status: criteria provided, single submitter. Criteria: Invitae Variant Classification Sherloc (09022015). Collection method: clinical testing. Allele origin: germline.

CeGaT Center for Human Genetics Tuebingen
Classification: Likely benign. Last evaluated: 2024-03-01. Review status: criteria provided, single submitter. Criteria: CeGaT Center For Human Genetics Tuebingen Variant Classification Criteria Version 2. Collection method: clinical testing. Allele origin: germline. Affected: yes. Observed: 1 variant allele.
Comment: BRD4: BP4